The following continues an entry in ClinVar:

NM_000152.5(GAA):c.2560C>T (p.Arg854Ter)

Gene: GAA. ClinVar aggregate classification (germline): Pathogenic. Pathogenic (1).

Submissions 19 to 32 of 32:

AiLife Diagnostics
Classification: Pathogenic. Last evaluated: 2022-02-09. Review status: criteria provided, single submitter. Criteria: ACMG Guidelines, 2015. Collection method: clinical testing. Allele origin: germline. Affected: yes. Observed: 3 variant alleles. Not counted in ClinVar's aggregate classification.

Genomic Research Center, Shahid Beheshti University of Medical Sciences
Classification: Pathogenic for Glycogen storage disease, type II. Last evaluated: 2020-05-03. Review status: criteria provided, single submitter. Criteria: ACMG Guidelines, 2015. Collection method: clinical testing. Allele origin: unknown. Affected: yes. Not counted in ClinVar's aggregate classification.

HudsonAlpha Institute for Biotechnology
Classification: Pathogenic for Glycogen storage disease, type II. Last evaluated: 2020-04-02. Review status: criteria provided, single submitter. Criteria: ACMG Guidelines, 2015. Collection method: research. Allele origin: paternal. Affected: yes. Observed: 1 variant allele. Study: CSER-SouthSeq. Not counted in ClinVar's aggregate classification.
Comment: ACMG codes: PVS1, PM3, PM3, PP5

GeneDx
Classification: Pathogenic. Last evaluated: 2020-02-21. Review status: criteria provided, single submitter. Criteria: GeneDx Variant Classification Process June 2021. Collection method: clinical testing. Allele origin: germline. Affected: yes. Not counted in ClinVar's aggregate classification.
Comment: Common variant associated with glycogen storage disease II (GSD II; Pompe disease) in individuals of African and African American ancestry; Expression studies of the R845X variant in COS cells showed negligible activity compared to wild-type protein (Hermans et al., 1993); Nonsense variant predicted to result in protein truncation or nonsense mediated decay in a gene for which loss-of-function is a known mechanism of disease; This variant is associated with the following publications: (PMID: 21889385, 20472203, 30564623, 29637184, 31395954, 22975760, 21228398, 20638881, 22658377, 23430493, 22555271, 27344650, 28694071, 20301438, 9529346, 19588081, 17723315, 29390460, 31980526, 31086307, 31589614, 33202836, 33013846, 8094613)

Broad Center for Mendelian Genomics, Broad Institute of MIT and Harvard
Classification: Pathogenic for Glycogen storage disease, type II. Last evaluated: 2020-01-22. Review status: criteria provided, single submitter. Criteria: ACMG Guidelines, 2015. Collection method: curation. Allele origin: germline. Inheritance: Autosomal recessive inheritance. Not counted in ClinVar's aggregate classification.
Comment: The p.Arg854Ter variant in GAA has been reported in at least 66 individuals (including 13 African American, 10 Brazilian, 4 Columbian, 4 from the UK, 2 Caucasian, 1 French, 1 Omani, 1 Pakistani, and 1 Dominican/Caucasian individuals) with Glycogen Storage Disease II, segregated with disease in 2 affected siblings from 1 family (PMID: 23430493, 19588081, 26497565, 9529346, 10528311, 16860134, 17723315, 21484825, 18535739, 11071489, 24273659, 23601496, 22237443, 21889385, 23825616, 29122469, 25741864, 19775921, 8094613), and has also been reported pathogenic (by GeneDx, EGL, Counsyl, Invitae, Integrated Genetics, Fulgent Genetics, OMIM, and GeneReviews) in ClinVar (Variation ID: 4034). This variant has been identified in 0.189% (47/24858) of African chromosomes and 0.020% (7/34802) of Latino chromosomes by the Genome Aggregation Database (gnomAD; dbSNP rs121907943). Although this variant has been seen in the general population, its frequency is not high enough to rule out a pathogenic role. This nonsense variant leads to a premature termination codon at position 854, which is predicted to lead to a truncated or absent protein. Loss of function of the GAA gene is an established disease mechanism in autosomal recessive Glycogen Storage Disease II. The presence of this variant in the homozygous state and in combination with reported pathogenic variants, and in individuals with Glycogen Storage Disease II increases the likelihood that the p.Arg854Ter variant is pathogenic (PMID: 23430493, 19588081, 26497565, 9529346, 10528311, 16860134, 17723315, 21484825, 18535739, 11071489, 24273659, 23601496, 22237443, 21889385, 23825616, 29122469, 25741864, 19775921, 8094613). The phenotype of individuals homozygous and heterozygous for this variant is highly specific for Glycogen Storage Disease II based on their CRIM-negative status and reduced GAA activity detected by assays of relevant tissues, consistent with disease (PMID: 26497565, 23601496, 22237443, 21889385, 11071489, 8094613, 16860134, 22237443, 21889385, 23825616, 29122469, 25741864, 19775921). In summary, this variant meets criteria to be classified as pathogenic for Glycogen Storage Disease II in an autosomal recessive manner based on the predicted impact of the variant and multiple occurrences with pathogenic GAA variants in individuals with Glycogen Storage Disease II. ACMG/AMP Criteria applied: PVS1, PM3_VeryStrong, PP4 (Richards 2015).

Myriad Genetics, Inc.
Classification: Pathogenic for Glycogen storage disease, type II. Last evaluated: 2019-12-20. Review status: criteria provided, single submitter. Criteria: Myriad Women's Health Autosomal Recessive and X-Linked Classification Criteria (2019). Collection method: clinical testing. Allele origin: unknown. Not counted in ClinVar's aggregate classification.
Comment: NM_000152.3(GAA):c.2560C>T(R854*) is classified as pathogenic in the context of Pompe disease. Sources cited for classification include the following: PMID 11071489, 19862843, 20472203, 22555271, 9529346, 16702877 and 8094613. Classification of NM_000152.3(GAA):c.2560C>T(R854*) is based on the following criteria: The variant causes a premature termination codon that is expected to be targeted by nonsense-mediated mRNA decay and is reported in individuals with the relevant phenotype. Please note: this variant was assessed in the context of healthy population screening.

Eurofins Ntd Llc (ga)
Classification: Pathogenic. Last evaluated: 2017-12-20. Review status: criteria provided, single submitter. Criteria: EGL Classification Definitions 2015. Collection method: clinical testing. Allele origin: germline. Observed: 12 variant alleles, 11 heterozygotes, 1 homozygote. Not counted in ClinVar's aggregate classification.

Women's Health and Genetics/Laboratory Corporation of America, LabCorp
Classification: Pathogenic for Glycogen storage disease, type II. Last evaluated: 2016-09-29. Review status: criteria provided, single submitter. Criteria: LabCorp Variant Classification Summary - May 2015. Collection method: clinical testing. Allele origin: germline. Not counted in ClinVar's aggregate classification.
Comment: Variant summary: The GAA c.2560C>T (p.Arg854X) variant results in a premature termination codon, predicted to cause a truncated or absent GAA protein due to nonsense mediated decay, which are commonly known mechanisms for disease. One in silico tool predicts a damaging outcome for this variant. This variant was found in 25/116512 control chromosomes, predominantly observed in the African subpopulation at a frequency of 0.002243 (23/10254). These frequencies are lower than the estimated maximal expected allele frequency of a pathogenic GAA variant (0.0042205), but suggest that this variant is of African origin. The variant has been identified in homozygous and compound heterozygous state in patients with Pompe disease, suggesting the variant is causative. Additionally, functional studies indicate that the variant has negligible catalytic activity and that the variant results in a transcript that is either not expressed or unstable. In addition, multiple clinical diagnostic laboratories/reputable databases classified this variant as pathogenic. Taken together, this variant is classified as pathogenic.

OMIM
Classification: Pathogenic for POMPE DISEASE, INFANTILE-ONSET. Last evaluated: 1998-04-01. Review status: no assertion criteria provided. Collection method: literature only. Allele origin: germline. Not counted in ClinVar's aggregate classification.

OMIM
Classification: Pathogenic for POMPE DISEASE, LATE-ONSET. Last evaluated: 1998-04-01. Review status: no assertion criteria provided. Collection method: literature only. Allele origin: germline. Not counted in ClinVar's aggregate classification.

Clinical Genetics DNA and cytogenetics Diagnostics Lab, Erasmus MC, Erasmus Medical Center
Classification: Pathogenic. Review status: no assertion criteria provided. Collection method: clinical testing. Allele origin: germline. Affected: yes. Study: VKGL Data-share Consensus. Not counted in ClinVar's aggregate classification.

GeneReviews
No classification provided. Condition: Glycogen storage disease, type II. Review status: no classification provided. Collection method: literature only. Allele origin: germline. Not counted in ClinVar's aggregate classification.

Genome Diagnostics Laboratory, University Medical Center Utrecht
Classification: Pathogenic. Review status: no assertion criteria provided. Collection method: clinical testing. Allele origin: germline. Affected: yes. Study: VKGL Data-share Consensus. Not counted in ClinVar's aggregate classification.

Joint Genome Diagnostic Labs from Nijmegen and Maastricht, Radboudumc and MUMC+
Classification: Pathogenic. Review status: no assertion criteria provided. Collection method: clinical testing. Allele origin: germline. Affected: yes. Study: VKGL Data-share Consensus. Not counted in ClinVar's aggregate classification.

Literature cited by the submitters: PubMed 39731073 (cited by Genomenon, Inc); PubMed 39314994 (cited by Genomenon, Inc); PubMed 39273088 (cited by Genomenon, Inc); PubMed 39020349 (cited by Genomenon, Inc); PubMed 38958145 (cited by Genomenon, Inc and Ambry Genetics); PubMed 38948331 (cited by Genomenon, Inc); PubMed 38250073 (cited by Genomenon, Inc); PubMed 38248631 (cited by Genomenon, Inc); PubMed 37087815 (cited by Genomenon, Inc); PubMed 36983365 (cited by Genomenon, Inc); PubMed 36310651 (cited by Genomenon, Inc); PubMed 36299500 (cited by Genomenon, Inc); PubMed 36245745 (cited by Genomenon, Inc); PubMed 35813979 (cited by Genomenon, Inc); PubMed 35787971 (cited by Genomenon, Inc); PubMed 36246652 (cited by Genomenon, Inc); PubMed 8094613 (cited by 8 submitters); PubMed 18425781 (cited by Labcorp Genetics (formerly Invitae), Labcorp); PubMed 22252923 (cited by 4 submitters); PubMed 9529346 (cited by 7 submitters); PubMed 17723315 (cited by 6 submitters); PubMed 19588081 (cited by 4 submitters); PubMed 19775921 (cited by Clinical Omics and Informatics (COIN) Unit, Neuroscience Institute, University Of Cape Town and Mayo Clinic Laboratories, Mayo Clinic); PubMed 21889385 (cited by 7 submitters); PubMed 22237443 (cited by 3 submitters); PubMed 23601496 (cited by 4 submitters); PubMed 2574186 (cited by Clinical Omics and Informatics (COIN) Unit, Neuroscience Institute, University Of Cape Town); PubMed 25741864 (cited by 4 submitters); PubMed 29122469 (cited by Ambry Genetics); PubMed 31342611 (cited by 3 submitters); PubMed 36572041 (cited by Ambry Genetics); PubMed 22253258 (cited by Mayo Clinic Laboratories, Mayo Clinic and Clinical Genomics Laboratory, Stanford Medicine); PubMed 23825616 (cited by 3 submitters); PubMed 26497565 (cited by Laboratory for Molecular Medicine, Mass General Brigham Personalized Medicine and Broad Center for Mendelian Genomics, Broad Institute of MIT and Harvard); PubMed 31193175 (cited by Laboratory for Molecular Medicine, Mass General Brigham Personalized Medicine and 3billion); PubMed 31086307 (cited by Clinical Genomics Laboratory, Stanford Medicine and AiLife Diagnostics); PubMed 21228398 (cited by AiLife Diagnostics); PubMed 31589614 (cited by AiLife Diagnostics); PubMed 29637184 (cited by AiLife Diagnostics); PubMed 33202836 (cited by AiLife Diagnostics); PubMed 33013846 (cited by AiLife Diagnostics); PubMed 31980526 (cited by AiLife Diagnostics); PubMed 22555271 (cited by AiLife Diagnostics and Myriad Genetics, Inc.); PubMed 22975760 (cited by AiLife Diagnostics); PubMed 29390460 (cited by AiLife Diagnostics); PubMed 30564623 (cited by AiLife Diagnostics); PubMed 27344650 (cited by AiLife Diagnostics); PubMed 28694071 (cited by AiLife Diagnostics); PubMed 31395954 (cited by AiLife Diagnostics); PubMed 25525159 (cited by AiLife Diagnostics); PubMed 18535739 (cited by Broad Center for Mendelian Genomics, Broad Institute of MIT and Harvard); PubMed 23430493 (cited by Broad Center for Mendelian Genomics, Broad Institute of MIT and Harvard); PubMed 21484825 (cited by Broad Center for Mendelian Genomics, Broad Institute of MIT and Harvard); PubMed 16860134 (cited by Broad Center for Mendelian Genomics, Broad Institute of MIT and Harvard); PubMed 10528311 (cited by Broad Center for Mendelian Genomics, Broad Institute of MIT and Harvard); PubMed 11071489 (cited by Broad Center for Mendelian Genomics, Broad Institute of MIT and Harvard and Myriad Genetics, Inc.); PubMed 24273659 (cited by Broad Center for Mendelian Genomics, Broad Institute of MIT and Harvard); PubMed 19862843 (cited by Myriad Genetics, Inc.); PubMed 20472203 (cited by Myriad Genetics, Inc.); PubMed 16702877 (cited by Myriad Genetics, Inc.); NCBI Bookshelf NBK1261 (cited by GeneReviews); PubMed 20301438 (cited by GeneReviews).